The following is an entry in ClinVar:

ClinVar aggregate classification (germline): Uncertain significance (1 of 4 stars; one submission).

gnomAD v4.1: 1 of 1,547,620 alleles (0.000065%); highest among the groups gnomAD compares: Non-Finnish European, 0.000087%; no homozygotes.

Submission:

Labcorp Genetics (formerly Invitae), Labcorp
Classification: Uncertain significance. Last evaluated: 2023-04-09. Review status: criteria provided, single submitter. Criteria: Invitae Variant Classification Sherloc (09022015). Collection method: clinical testing. Allele origin: germline.
Comment: In summary, the available evidence is currently insufficient to determine the role of this variant in disease. Therefore, it has been classified as a Variant of Uncertain Significance. An algorithm developed to predict the effect of missense changes on protein structure and function (PolyPhen-2) suggests that this variant is likely to be tolerated. This variant has not been reported in the literature in individuals affected with TAOK2-related conditions. This variant is present in population databases (no rsID available, gnomAD 0.001%). This sequence change replaces alanine, which is neutral and non-polar, with glutamic acid, which is acidic and polar, at codon 487 of the TAOK2 protein (p.Ala487Glu).

NM_016151.4(TAOK2):c.1460C>A (p.Ala487Glu)

Gene: TAOK2 (TAO kinase 2; plus strand). Cytogenetic location: 16p11.2.
Variant type: single nucleotide variant.
Coding change: c.1460C>A on transcript NM_016151.4 (MANE Select); coding-DNA position 1460, C replaced by A.
Protein change: p.Ala487Glu; replaces alanine 487 with glutamic acid.
Molecular consequence: missense variant.
Genome position (GRCh38, 1-based): chr16:29,985,250, C>A. VCF-style: chr16-29985250-C-A. GRCh37 (hg19) VCF-style: chr16-29996571-C-A.
Other names: c.1460C>A, p.Ala487Glu (NM_001252043.2, NM_004783.4); short protein forms A487E.
Identifiers: ClinVar variation 2808469 (VCV002808469.3), dbSNP rs1286967853, ClinGen allele CA395485119.
Genomic context (GRCh38, chr16:29,985,250, plus strand): 5'-TCTCACCCTCTCTCCTTCCCCAGGTCAGCCGTCAGATCCAGGAGCATGAGCAGGACTCTG[C>A]GCTGCGGGAGCAGCTGAGCGGCTATAAGCGGATGCGACGACAGCACCAGAAGCAGCTGCT-3'
Protein context (NP_057235.2, residues 477-497): RQIQEHEQDS[Ala487Glu]LREQLSGYKR